The following is an entry in ClinVar:

ClinVar aggregate classification (germline): Uncertain significance (1 of 4 stars; one submission).

Conditions:
Epileptic encephalopathy. Identifiers: MedGen C0543888, HP:0200134.

Allele frequency attached by ClinVar (database versions not stated): TOPMed 0.00001.
gnomAD v4.1: 1 of 1,613,816 alleles (0.000062%); highest among the groups gnomAD compares: African/African-American, 0.0013%; no homozygotes.

Submission:

Labcorp Genetics (formerly Invitae), Labcorp
Classification: Uncertain significance for Epileptic encephalopathy. Last evaluated: 2020-07-21. Review status: criteria provided, single submitter. Criteria: Invitae Variant Classification Sherloc (09022015). Collection method: clinical testing. Allele origin: germline.
Comment: This variant has not been reported in the literature in individuals with RYR3-related conditions. This sequence change replaces asparagine with histidine at codon 3443 of the RYR3 protein (p.Asn3443His). The asparagine residue is moderately conserved and there is a small physicochemical difference between asparagine and histidine. This variant is present in population databases (rs373622365, ExAC 0.01%). Algorithms developed to predict the effect of missense changes on protein structure and function are either unavailable or do not agree on the potential impact of this missense change (SIFT: "Deleterious"; PolyPhen-2: "Benign"; Align-GVGD: "Class C0"). In summary, the available evidence is currently insufficient to determine the role of this variant in disease. Therefore, it has been classified as a Variant of Uncertain Significance.

NM_001036.6(RYR3):c.10327A>C (p.Asn3443His)

Gene: RYR3 (ryanodine receptor 3; plus strand). Cytogenetic location: 15q14.
Variant type: single nucleotide variant.
Coding change: c.10327A>C on transcript NM_001036.6 (MANE Select); coding-DNA position 10327, A replaced by C.
Protein change: p.Asn3443His; replaces asparagine 3443 with histidine.
Molecular consequence: missense variant.
Genome position (GRCh38, 1-based): chr15:33,812,932, A>C. VCF-style: chr15-33812932-A-C. GRCh37 (hg19) VCF-style: chr15-34105133-A-C.
Other names: c.10312A>C, p.Asn3438His (NM_001243996.4); short protein forms N3438H, N3443H.
Identifiers: ClinVar variation 1025219 (VCV001025219.8), dbSNP rs373622365, ClinGen allele CA7460806.
Genomic context (GRCh38, chr15:33,812,932, plus strand): 5'-CCAGCTGTAAAATGGCAACTGAACCTCTACAAGGATGTTCTGAAGAGTGAAGAACCTTTC[A>C]ATCCGGAAAAGACAGTGGAGCGTGTGCAGAGAATTTCAGCAGCTGTCTTCCACCTGGAAC-3'
Protein context (NP_001027.3, residues 3433-3453): KDVLKSEEPF[Asn3443His]PEKTVERVQR